The following is an entry in ClinVar:

ClinVar aggregate classification (germline): Likely benign (0 of 4 stars; one submission).

Conditions:
MEIOB-related disorder. Also called: MEIOB-related condition.

Allele frequency attached by ClinVar (database versions not stated): gnomAD exomes 0.00002; gnomAD 0.00003; TOPMed 0.00003.
gnomAD v4.1: 34 of 1,472,874 alleles (0.0023%); highest among the groups gnomAD compares: African/African-American, 0.0042%; no homozygotes.

Submission:

PreventionGenetics, part of Exact Sciences
Classification: Likely benign for MEIOB-related condition. Last evaluated: 2019-03-13. Review status: no assertion criteria provided. Collection method: clinical testing. Allele origin: germline.
Comment: This variant is classified as likely benign based on ACMG/AMP sequence variant interpretation guidelines (Richards et al. 2015 PMID: 25741868, with internal and published modifications).

NM_001163560.3(MEIOB):c.69+4G>A

Gene: MEIOB (meiosis specific with OB-fold; minus strand). Cytogenetic location: 16p13.3.
Variant type: single nucleotide variant.
Coding change: c.69+4G>A on transcript NM_001163560.3 (MANE Select); 4 bases into the intron after coding-DNA position 69, G replaced by A.
Molecular consequence: intron variant.
Genome position (GRCh38, 1-based): chr16:1,868,103, C>T on the plus strand (G>A on the coding strand, the complement: MEIOB is on the minus strand). VCF-style: chr16-1868103-C-T. GRCh37 (hg19) VCF-style: chr16-1918104-C-T.
Other names: c.69+4G>A (NM_152764.3).
Identifiers: ClinVar variation 3058504 (VCV003058504.2), dbSNP rs1312079716, ClinGen allele CA492939616.
Genomic context (GRCh38, chr16:1,868,103, plus strand): 5'-ATTGATGTAATGTTATCACATAAAATGTCATCAGTAAGCAAATCACCACATTATTGAAAC[C>T]TACCAGATTAGCCATATTTGTCTGCAGATCTGAAAGGGTAGTGAAAATCCTCGCTGCAAA-3'